The following is an entry in ClinVar:

NM_000091.5(COL4A3):c.1381G>C (p.Gly461Arg)

Genes: COL4A3 (collagen type IV alpha 3 chain; plus strand), MFF-DT (MFF divergent transcript; minus strand). Cytogenetic location: 2q36.3.
Variant type: single nucleotide variant.
Coding change: c.1381G>C on transcript NM_000091.5 (MANE Select); coding-DNA position 1381, G replaced by C.
Protein change: p.Gly461Arg; replaces glycine 461 with arginine.
Molecular consequence: missense variant.
Genome position (GRCh38, 1-based): chr2:227,266,482, G>C. VCF-style: chr2-227266482-G-C. GRCh37 (hg19) VCF-style: chr2-228131198-G-C.
Other names: short protein forms G461R.
Identifiers: ClinVar variation 431383 (VCV000431383.9), dbSNP rs1135401954, ClinGen allele CA350870169.

ClinVar aggregate classification (germline): Conflicting classifications of pathogenicity. Review status: criteria provided, conflicting classifications (1 of 4 stars). 2 submissions from 2 submitters: Likely pathogenic (1); Uncertain significance (1). Last evaluated 2020-11-10.

Conditions:
Alport syndrome. Also called: Hemorrhagic familial nephritis; Hemorrhagic hereditary nephritis; Congenital hereditary hematuria. Identifiers: Orphanet 63, MedGen C1567741, MONDO:0018965.

Allele frequency attached by ClinVar (database versions not stated): gnomAD exomes below 0.00001.
gnomAD v4.1: 1 of 1,614,000 alleles (0.000062%); highest among the groups gnomAD compares: Non-Finnish European, 0.000085%; no homozygotes.

Submissions (2):

Labcorp Genetics (formerly Invitae), Labcorp
Classification: Uncertain significance. Last evaluated: 2020-11-10. Review status: criteria provided, single submitter. Criteria: Invitae Variant Classification Sherloc (09022015). Collection method: clinical testing. Allele origin: germline.
Comment: This sequence change replaces glycine with arginine at codon 461 of the COL4A3 protein (p.Gly461Arg). The glycine residue is highly conserved and there is a moderate physicochemical difference between glycine and arginine. This variant is not present in population databases (ExAC no frequency). In summary, the available evidence is currently insufficient to determine the role of this variant in disease. Therefore, it has been classified as a Variant of Uncertain Significance. Advanced modeling of protein sequence and biophysical properties (such as structural, functional, and spatial information, amino acid conservation, physicochemical variation, residue mobility, and thermodynamic stability) performed at Invitae indicates that this missense variant is expected to disrupt COL4A3 protein function. This variant has been observed in individual(s) with clinical features of Alport syndrome (Invitae). ClinVar contains an entry for this variant (Variation ID: 431383).

MVZ Martinsried, Medicover Genetics
Classification: Likely pathogenic for Alport syndrome. Last evaluated: 2017-04-07. Review status: criteria provided, single submitter. Criteria: ACMG Guidelines, 2015. Collection method: clinical testing. Allele origin: unknown. Affected: yes.